The following is an entry in ClinVar:

ClinVar aggregate classification (germline): Uncertain significance (1 of 4 stars; one submission).

Submission:

Labcorp Genetics (formerly Invitae), Labcorp
Classification: Uncertain significance. Last evaluated: 2020-07-30. Review status: criteria provided, single submitter. Criteria: Invitae Variant Classification Sherloc (09022015). Collection method: clinical testing. Allele origin: germline.
Comment: This variant is not present in population databases (ExAC no frequency). This sequence change replaces tyrosine with aspartic acid at codon 325 of the RETREG1 protein (p.Tyr325Asp). The tyrosine residue is highly conserved and there is a large physicochemical difference between tyrosine and aspartic acid. This variant has not been reported in the literature in individuals with RETREG1-related conditions. In summary, the available evidence is currently insufficient to determine the role of this variant in disease. Therefore, it has been classified as a Variant of Uncertain Significance. Algorithms developed to predict the effect of missense changes on protein structure and function are either unavailable or do not agree on the potential impact of this missense change (SIFT: "Deleterious"; PolyPhen-2: "Benign"; Align-GVGD: "Class C15").

NM_001034850.3(RETREG1):c.973T>G (p.Tyr325Asp)

Gene: RETREG1 (reticulophagy regulator 1; minus strand). Cytogenetic location: 5p15.1.
Variant type: single nucleotide variant.
Coding change: c.973T>G on transcript NM_001034850.3 (MANE Select); coding-DNA position 973, T replaced by G.
Protein change: p.Tyr325Asp; replaces tyrosine 325 with aspartic acid.
Molecular consequence: missense variant.
Genome position (GRCh38, 1-based): chr5:16,477,689, A>C on the plus strand (T>G on the coding strand, the complement: RETREG1 is on the minus strand). VCF-style: chr5-16477689-A-C. GRCh37 (hg19) VCF-style: chr5-16477798-A-C.
Other names: c.550T>G, p.Tyr184Asp (NM_019000.5); short protein forms Y184D, Y325D.
Identifiers: ClinVar variation 1005512 (VCV001005512.8), dbSNP rs1738596466, ClinGen allele CA359257703.